The following is an entry in ClinVar:

NM_017534.6(MYH2):c.5673+4_5673+7del

Genes: MYHAS (myosin heavy chain gene cluster antisense RNA; plus strand), MYH2 (myosin heavy chain 2; minus strand). Cytogenetic location: 17p13.1.
Variant type: Deletion.
Coding change: c.5673+4_5673+7del on transcript NM_017534.6 (MANE Select); bases 4 to 7 of the intron after coding-DNA position 5673, 4 bases deleted (AGTA; older notation c.5673+4_5673+7delAGTA).
Molecular consequence: splice donor variant.
Genome position (GRCh38, 1-based): chr17:10,523,083-10,523,086, TACT deleted on the plus strand (AGTA on the coding strand, the reverse complement: MYH2 is on the minus strand); deleting any 4 consecutive bases within chr17:10,523,083-10,523,089 gives the same sequence; the c. name uses the placement nearest the transcript's 3' end. VCF-style (leftmost placement, unchanged base first): chr17-10523082-ATACT-A. GRCh37 (hg19) VCF-style: chr17-10426399-ATACT-A.
Other names: c.5673+4_5673+7del (NM_001100112.2, NM_017534.5).
Identifiers: ClinVar variation 1929488 (VCV001929488.7), dbSNP rs2508406602, ClinGen allele CA2580092491.

ClinVar aggregate classification (germline): Uncertain significance. Review status: criteria provided, multiple submitters, no conflicts (2 of 4 stars). 3 submissions from 3 submitters: Uncertain significance (3). Last evaluated 2025-12-28.

Conditions:
Myopathy, proximal, and ophthalmoplegia (CMYO6). Also called: INCLUSION BODY MYOPATHY 3, AUTOSOMAL DOMINANT; CONGENITAL MYOPATHY 6 WITH OPHTHALMOPLEGIA; MYOPATHY WITH CONGENITAL JOINT CONTRACTURES, OPHTHALMOPLEGIA, AND RIMMED VACUOLES. Identifiers: Orphanet 363677, Orphanet 79091, MedGen C1854106, MONDO:0011577, OMIM 605637.

Submissions (3):

Labcorp Genetics (formerly Invitae), Labcorp
Classification: Uncertain significance for Myopathy, proximal, and ophthalmoplegia. Last evaluated: 2025-12-28. Review status: criteria provided, single submitter. Criteria: Invitae Variant Classification Sherloc (09022015). Collection method: clinical testing. Allele origin: germline.
Comment: This sequence change falls in intron 39 of the MYH2 gene. It does not directly change the encoded amino acid sequence of the MYH2 protein. It affects a nucleotide within the consensus splice site. This variant is not present in population databases (gnomAD no frequency). This variant has been observed in individual(s) with limb-girdle muscular dystrophy (PMID: 31127727). ClinVar contains an entry for this variant (Variation ID: 1929488). Variants that disrupt the consensus splice site are a relatively common cause of aberrant splicing (PMID: 17576681, 9536098). Algorithms developed to predict the effect of sequence changes on RNA splicing suggest that this variant may disrupt the consensus splice site. In summary, the available evidence is currently insufficient to determine the role of this variant in disease. Therefore, it has been classified as a Variant of Uncertain Significance.

Athena Diagnostics
Classification: Uncertain significance. Last evaluated: 2024-03-15. Review status: criteria provided, single submitter. Criteria: Athena Diagnostics Criteria. Collection method: clinical testing. Allele origin: unknown.

3billion
Classification: Uncertain significance for Myopathy, proximal, and ophthalmoplegia. Review status: criteria provided, single submitter. Criteria: ACMG Guidelines, 2015. Collection method: clinical testing. Allele origin: unknown. Affected: yes. Observed: 2 variant alleles, 2 heterozygotes. Clinical features observed: Weakness of facial musculature (HP:0030319), Impaired oropharyngeal swallow response (HP:0031162), Oral-pharyngeal dysphagia (HP:0200136), Generalized muscle weakness (HP:0003324), Proximal muscle weakness (HP:0003701), Difficulty running (HP:0009046), Difficulty climbing stairs (HP:0003551), Scapular winging (HP:0003691).
Comment: The variant is not observed in the gnomAD v2.1.1 dataset. Intron variant. In silico tools predict the variant to alter splicing and produce an abnormal transcript (SpliceAI: 1.00). Therefore, this variant is classified as Uncertain significance according to the recommendation of ACMG/AMP guideline.

Literature cited by the submitters: PubMed 31127727 (cited by Labcorp Genetics (formerly Invitae), Labcorp); PubMed 17576681 (cited by Labcorp Genetics (formerly Invitae), Labcorp); PubMed 9536098 (cited by Labcorp Genetics (formerly Invitae), Labcorp).